The following is an entry in ClinVar:

NM_032444.4(SLX4):c.1731dup (p.Glu578fs)

Gene: SLX4 (SLX4 structure-specific endonuclease subunit; minus strand). Cytogenetic location: 16p13.3.
Variant type: Duplication.
Coding change: c.1731dup on transcript NM_032444.4 (MANE Select); coding-DNA position 1731, one base duplicated (A; older notation c.1731dupA).
Protein change: p.Glu578fs; shifts the reading frame from glutamic acid 578.
Molecular consequence: frameshift variant.
Genome position (GRCh38, 1-based): chr16:3,596,346, T duplicated on the plus strand (A on the coding strand, the reverse complement: SLX4 is on the minus strand). VCF-style (leftmost placement, unchanged base first): chr16-3596345-C-CT. GRCh37 (hg19) VCF-style: chr16-3646346-C-CT.
Other names: short protein forms E578fs.
Identifiers: ClinVar variation 2129035 (VCV002129035.4), dbSNP rs2548218058, ClinGen allele CA2580091097.

ClinVar aggregate classification (germline): Pathogenic (1 of 4 stars; one submission).

Conditions:
Fanconi anemia (FA). Also called: Fanconi's anemia. Identifiers: Orphanet 84, MedGen C0015625, MeSH D005199, MONDO:0019391.

Submission:

Labcorp Genetics (formerly Invitae), Labcorp
Classification: Pathogenic for Fanconi anemia. Last evaluated: 2024-01-02. Review status: criteria provided, single submitter. Criteria: Invitae Variant Classification Sherloc (09022015). Collection method: clinical testing. Allele origin: germline.
Comment: This sequence change creates a premature translational stop signal (p.Glu578Argfs*103) in the SLX4 gene. It is expected to result in an absent or disrupted protein product. Loss-of-function variants in SLX4 are known to be pathogenic (PMID: 21240277). This variant is not present in population databases (gnomAD no frequency). This variant has not been reported in the literature in individuals affected with SLX4-related conditions. ClinVar contains an entry for this variant (Variation ID: 2129035). For these reasons, this variant has been classified as Pathogenic.

Literature cited by the submitters: PubMed 21240277.